The following is an entry in ClinVar:

ClinVar aggregate classification (germline): Pathogenic/Likely pathogenic. Review status: criteria provided, multiple submitters, no conflicts (2 of 4 stars). 6 submissions from 6 submitters: Pathogenic (2); Likely pathogenic (2). 2 of the submissions do not count toward it. Last evaluated 2025-01-01.

Conditions:
Pyruvate dehydrogenase E1-alpha deficiency (PDHAD). Also called: ATAXIA, INTERMITTENT, WITH PYRUVATE DEHYDROGENASE DEFICIENCY; ATAXIA WITH LACTIC ACIDOSIS I; ATAXIA, INTERMITTENT, WITH ABNORMAL PYRUVATE METABOLISM; Ataxia, intermittent, with pyruvate dehydrogenase, or decarboxylase, deficiency. Identifiers: Orphanet 79243, MedGen C1839413, MONDO:0010717, OMIM 312170.

Submissions (6):

Center of Human Genetics, Hôpital Erasme
Classification: Likely pathogenic for Pyruvate dehydrogenase E1-alpha deficiency. Last evaluated: 2025-01-01. Review status: criteria provided, single submitter. Criteria: ACMG Guidelines, 2015. Collection method: clinical testing. Allele origin: unknown. Affected: yes.

Department of Human Genetics, Hannover Medical School
Classification: Likely pathogenic for Pyruvate dehydrogenase E1-alpha deficiency. Last evaluated: 2023-06-21. Review status: criteria provided, single submitter. Criteria: ACMG Guidelines, 2015. Collection method: clinical testing. Allele origin: germline. Inheritance: X-linked inheritance. Affected: yes.

GeneDx
Classification: Pathogenic. Last evaluated: 2022-04-29. Review status: criteria provided, single submitter. Criteria: GeneDx Variant Classification Process June 2021. Collection method: clinical testing. Allele origin: germline. Affected: yes.
Comment: Frameshift variant predicted to result in protein truncation or nonsense mediated decay in a gene for which loss-of-function is a known mechanism of disease; Not observed at significant frequency in large population cohorts (gnomAD); This variant is associated with the following publications: (PMID: 27290639, 33504798, 27535533, 15384102)

Institute of Medical Genetics and Applied Genomics, University Hospital Tübingen
Classification: Pathogenic. Last evaluated: 2021-09-15. Review status: criteria provided, single submitter. Criteria: ACMG Guidelines, 2015. Collection method: clinical testing. Allele origin: germline. Inheritance: X-linked dominant inheritance. Affected: yes.

PDHA1 Study Group, University Children’s Hospital, Paracelsus Medical University
Classification: Pathogenic for Pyruvate dehydrogenase E1-alpha deficiency. Last evaluated: 2024-10-15. Review status: no assertion criteria provided. Collection method: research. Allele origin: de novo. Affected: yes. Observed: 6 variant alleles. Not counted in ClinVar's aggregate classification.
Comment: The NM_000284.3:c.858_861dup (p.Arg288LeufsTer10) change is a frameshift variant in PDHA1 gene. This variant is predicted to result in nonsense-mediated decay (NMD). In total, 6 individuals are diagnosed with PDHA1-related Pyruvate dehydrogenase complex (PDHc) deficiency (MIM #312170). These include 6 females. Among them, 4 cases have confirmed de novo occurrence. The variant has been reported in 3 published cases (PMIDs: 15384102, 24718837, 27290639). Additional 3 unpublished cases from internal data are included. Last literature search: July 12, 2024. This variant is absent or extremely rare in population-based cohorts in the Genome Aggregation Database (gnomAD). Individuals harboring this variant present with clinical features compatible with PDHA1-related PDHc deficiency. In summary, this variant meets criteria to be classified as pathogenic (P) for PDHA1-related PDHc deficiency based on the ACMG/AMP criteria applied: PVS1, PS2, PM2, PM7 (last assessment October 15, 2024).

Equipe Genetique des Anomalies du Developpement, Université de Bourgogne
Classification: Pathogenic for Pyruvate dehydrogenase E1-alpha deficiency. Last evaluated: 2021-10-26. Review status: no assertion criteria provided. Criteria: ACMG Guidelines, 2023. Collection method: clinical testing. Allele origin: unknown. Affected: yes. Not counted in ClinVar's aggregate classification.

Literature cited by the submitters: PubMed 15384102 (cited by PDHA1 Study Group, University Children’s Hospital, Paracelsus Medical University); PubMed 24718837 (cited by PDHA1 Study Group, University Children’s Hospital, Paracelsus Medical University); PubMed 27290639 (cited by PDHA1 Study Group, University Children’s Hospital, Paracelsus Medical University); DOI 10.1093/brain/awaf430 (cited by PDHA1 Study Group, University Children’s Hospital, Paracelsus Medical University).

NM_000284.4(PDHA1):c.858_861dup (p.Arg288fs)

Gene: PDHA1 (pyruvate dehydrogenase E1 subunit alpha 1; plus strand). Cytogenetic location: Xp22.12.
Variant type: Duplication.
Coding change: c.858_861dup on transcript NM_000284.4 (MANE Select); coding-DNA positions 858 to 861, 4 bases duplicated (TTAC; older notation c.858_861dupTTAC).
Protein change: p.Arg288fs; shifts the reading frame from arginine 288.
Molecular consequence: frameshift variant.
Genome position (GRCh38, 1-based): chrX:19,357,678-19,357,681, TTAC duplicated; duplicating any 4 consecutive bases within chrX:19,357,676-19,357,681 gives the same sequence; the c. name uses the placement nearest the transcript's 3' end. VCF-style (leftmost placement, unchanged base first): chrX-19357675-G-GACTT. GRCh37 (hg19) VCF-style: chrX-19375793-G-GACTT.
Other names: c.858_861dupTTAC (NM_000284.3); c.972_975dup (NM_001173454.1); c.972_975dup, p.Arg326fs (NM_001173454.2); c.879_882dup, p.Arg295fs (NM_001173455.2); c.765_768dup, p.Arg257fs (NM_001173456.2); short protein forms R295fs, R288fs, R326fs, R257fs.
Identifiers: ClinVar variation 372714 (VCV000372714.10), dbSNP rs1555934859, ClinGen allele CA16043242.